The following is an entry in ClinVar:

ClinVar aggregate classification (germline): Uncertain significance (1 of 4 stars; one submission).

Conditions:
Inborn genetic diseases. Identifiers: MedGen C0950123, MeSH D030342.

Submission:

Ambry Genetics
Classification: Uncertain significance for Inborn genetic diseases. Last evaluated: 2017-05-24. Review status: criteria provided, single submitter. Criteria: Ambry Variant Classification Scheme 2023. Collection method: clinical testing. Allele origin: germline.
Comment: The p.K1280N variant (also known as c.3840G>C), located in coding exon 1 of the RAI1 gene, results from a G to C substitution at nucleotide position 3840. The lysine at codon 1280 is replaced by asparagine, an amino acid with similar properties. This amino acid position is not well conserved in available vertebrate species. In addition, this alteration is predicted to be tolerated by in silico analysis. Since supporting evidence is limited at this time, the clinical significance of this alteration remains unclear.

NM_030665.4(RAI1):c.3840G>C (p.Lys1280Asn)

Gene: RAI1 (retinoic acid induced 1; plus strand). Cytogenetic location: 17p11.2.
Variant type: single nucleotide variant.
Coding change: c.3840G>C on transcript NM_030665.4 (MANE Select); coding-DNA position 3840, G replaced by C.
Protein change: p.Lys1280Asn; replaces lysine 1280 with asparagine.
Molecular consequence: missense variant.
Genome position (GRCh38, 1-based): chr17:17,796,788, G>C. VCF-style: chr17-17796788-G-C. GRCh37 (hg19) VCF-style: chr17-17700102-G-C.
Other names: short protein forms K1280N.
Identifiers: ClinVar variation 589779 (VCV000589779.5), dbSNP rs762679614, ClinGen allele CA398555050.